The following is an entry in ClinVar:

NM_000536.4(RAG2):c.1367C>A (p.Ala456Asp)

Gene: RAG2 (recombination activating 2; minus strand). Cytogenetic location: 11p12.
Variant type: single nucleotide variant.
Coding change: c.1367C>A on transcript NM_000536.4 (MANE Select); coding-DNA position 1367, C replaced by A.
Protein change: p.Ala456Asp; replaces alanine 456 with aspartic acid.
Molecular consequence: missense variant.
Genome position (GRCh38, 1-based): chr11:36,592,802, G>T on the plus strand (C>A on the coding strand, the complement: RAG2 is on the minus strand). VCF-style: chr11-36592802-G-T. GRCh37 (hg19) VCF-style: chr11-36614352-G-T.
Other names: c.1367C>A, p.Ala456Asp (NM_001243785.2, NM_001243786.2); c.1367C>A (NM_000536.3); short protein forms A456D.
Identifiers: ClinVar variation 1003883 (VCV001003883.6), dbSNP rs1479440369, ClinGen allele CA380140517.
Genomic context (GRCh38, chr11:36,592,802, plus strand): 5'-TACTTGTTGCTTCCTGCTGACAGATGGATGAGTGTGCGTTCTGCCAGATCCATGCACTGA[G>T]CATGGACCCAGTGCCCATCCCCATGAGAGCAGTAGATCATGGCGGGTTTGTTGAGCTCAG-3'
Protein context (NP_000527.2, residues 446-466): CSHGDGHWVH[Ala456Asp]QCMDLAERTL

ClinVar aggregate classification (germline): Conflicting classifications of pathogenicity. Review status: criteria provided, conflicting classifications (1 of 4 stars). 4 submissions from 4 submitters: Pathogenic (1); Likely pathogenic (1); Uncertain significance (2). Last evaluated 2026-07-07.

Conditions:
Recombinase activating gene 2 deficiency. Also called: RAG2 deficiency. Identifiers: MedGen CN257931, MONDO:0000573.
Severe combined immunodeficiency, autosomal recessive, T cell-negative, B cell-negative, NK cell-positive. Also called: Severe combined immunodeficiency due to complete RAG1/2 deficiency; SCID, AR, T-cell negative, B-cell negative, NK cell-positive; SCID, T CELL-NEGATIVE, B CELL-NEGATIVE, NK CELL-POSITIVE. Identifiers: Orphanet 331206, MedGen C1832322, MONDO:0011086, OMIM 601457.
Combined immunodeficiency with skin granulomas. Identifiers: Orphanet 157949, MedGen C2673536, MONDO:0009306, OMIM 233650.
Histiocytic medullary reticulosis. Also called: SEVERE COMBINED IMMUNODEFICIENCY WITH HYPEREOSINOPHILIA; Omenn syndrome. Identifiers: Orphanet 39041, MedGen C2700553, MONDO:0011338, OMIM 603554.

Allele frequency attached by ClinVar (database versions not stated): gnomAD exomes below 0.00001; gnomAD 0.00001; TOPMed 0.00002.

Submissions (4):

Myriad Genetics, Inc.
Classification: Uncertain significance for Recombinase activating gene 2 deficiency. Last evaluated: 2026-07-07. Review status: criteria provided, single submitter. Criteria: Myriad Autosomal Dominant, Autosomal Recessive and X-Linked Classification Criteria (2023). Collection method: clinical testing. Allele origin: unknown.
Comment: NM_001243785.1(RAG2):c.1367C>A(A456D) is a missense variant classified as a variant of uncertain significance in the context of severe combined immunodeficiency, RAG2-related. A456D has been observed in a case with relevant disease (PMID: 33193364). Relevant functional assessments of this variant are available in the literature (PMID: 36279417). A456D has not been observed in referenced population frequency databases. In summary, there is insufficient evidence to classify NM_001243785.1(RAG2):c.1367C>A(A456D) as pathogenic or benign. Please note: this variant was assessed in the context of healthy population screening.

Natera, Inc.
Classification: Likely pathogenic for Omenn syndrome. Last evaluated: 2025-11-13. Review status: criteria provided, single submitter. Criteria: Natera Variant Classification Schema (03/2026). Collection method: clinical testing. Allele origin: germline.
Comment: The c.1367C>A variant in RAG2 is a missense variant predicted to cause substitution of alanine to aspartic acid at amino acid 456. This variant is rare in the general population with a frequency below the threshold expected for the associated phenotype(s). This variant has been observed in one or more individuals affected with the associated recessive disease, as either homozygous or compound heterozygous with a second variant (PMID: 33193364). This variant is located in a functionally critical region of the protein. Computational prediction algorithms indicate this variant is likely to affect gene or protein function. Given the available evidence, this variant is classified as Likely Pathogenic.

Fulgent Genetics
Classification: Pathogenic for Combined immunodeficiency with skin granulomas; Severe combined immunodeficiency, autosomal recessive, T cell-negative, B cell-negative, NK cell-positive; Histiocytic medullary reticulosis. Last evaluated: 2024-01-31. Review status: criteria provided, single submitter. Criteria: ACMG Guidelines, 2015. Collection method: clinical testing. Allele origin: germline.

Labcorp Genetics (formerly Invitae), Labcorp
Classification: Uncertain significance for Combined immunodeficiency with skin granulomas; Severe combined immunodeficiency, autosomal recessive, T cell-negative, B cell-negative, NK cell-positive. Last evaluated: 2021-08-28. Review status: criteria provided, single submitter. Criteria: Invitae Variant Classification Sherloc (09022015). Collection method: clinical testing. Allele origin: germline.
Comment: This sequence change replaces alanine with aspartic acid at codon 456 of the RAG2 protein (p.Ala456Asp). The alanine residue is highly conserved and there is a moderate physicochemical difference between alanine and aspartic acid. This variant is not present in population databases (ExAC no frequency). This variant has not been reported in the literature in individuals affected with RAG2-related conditions. Advanced modeling of protein sequence and biophysical properties (such as structural, functional, and spatial information, amino acid conservation, physicochemical variation, residue mobility, and thermodynamic stability) performed at Invitae indicates that this missense variant is expected to disrupt RAG2 protein function. In summary, the available evidence is currently insufficient to determine the role of this variant in disease. Therefore, it has been classified as a Variant of Uncertain Significance.

Literature cited by the submitters: PubMed 33193364 (cited by Myriad Genetics, Inc. and Natera, Inc.); PubMed 36279417 (cited by Myriad Genetics, Inc.).